The following is an entry in ClinVar:

ClinVar aggregate classification (germline): Benign/Likely benign. Review status: criteria provided, multiple submitters, no conflicts (2 of 4 stars). 2 submissions from 2 submitters: Benign (1); Likely benign (1). Last evaluated 2025-07-30.

Conditions:
Hereditary nonpolyposis colorectal neoplasms. Identifiers: MedGen C0009405, MeSH D003123.
Lynch syndrome 5 (LYNCH5). Also called: Hereditary non-polyposis colorectal cancer, type 5; Colorectal cancer, hereditary nonpolyposis, type 5. Identifiers: Orphanet 144, MedGen C1833477, MONDO:0013710, OMIM 614350. Disease mechanism: loss of function.

Submissions (2):

Labcorp Genetics (formerly Invitae), Labcorp
Classification: Likely benign for Hereditary nonpolyposis colorectal neoplasms. Last evaluated: 2025-07-30. Review status: criteria provided, single submitter. Criteria: Invitae Variant Classification Sherloc (09022015). Collection method: clinical testing. Allele origin: germline.

Myriad Genetics, Inc.
Classification: Benign for Lynch syndrome 5. Last evaluated: 2024-12-27. Review status: criteria provided, single submitter. Criteria: Myriad Autosomal Dominant, Autosomal Recessive and X-Linked Classification Criteria (2023). Collection method: clinical testing. Allele origin: unknown.
Comment: This variant is considered benign. This variant is a silent/synonymous amino acid change and it is not expected to impact splicing.

NM_000179.3(MSH6):c.1818A>G (p.Lys606=)

Gene: MSH6 (mutS homolog 6; plus strand). Cytogenetic location: 2p16.3.
Variant type: single nucleotide variant.
Coding change: c.1818A>G on transcript NM_000179.3 (MANE Select); coding-DNA position 1818, A replaced by G.
Protein change: p.Lys606=; no amino-acid change (lysine 606 retained).
Molecular consequence: synonymous variant.
Genome position (GRCh38, 1-based): chr2:47,799,801, A>G. VCF-style: chr2-47799801-A-G. GRCh37 (hg19) VCF-style: chr2-48026940-A-G.
Other names: c.1428A>G, p.Lys476= (NM_001281492.2); c.912A>G, p.Lys304= (NM_001281493.2, NM_001281494.2).
Identifiers: ClinVar variation 1091487 (VCV001091487.10), dbSNP rs1669377005, ClinGen allele CA426121176.